The following is an entry in ClinVar:

ClinVar aggregate classification (germline): Uncertain significance (1 of 4 stars; one submission).

Conditions:
Early-infantile DEE. Also called: Ohtahara syndrome; Early infantile epileptic encephalopathy with suppression bursts; Early infantile epileptic encephalopathy. Identifiers: Orphanet 1934, MedGen C0393706, MONDO:0800491.

Submission:

Labcorp Genetics (formerly Invitae), Labcorp
Classification: Uncertain significance for Early-infantile DEE. Last evaluated: 2023-06-01. Review status: criteria provided, single submitter. Criteria: Invitae Variant Classification Sherloc (09022015). Collection method: clinical testing. Allele origin: germline.
Comment: In summary, the available evidence is currently insufficient to determine the role of this variant in disease. Therefore, it has been classified as a Variant of Uncertain Significance. Variants that disrupt the consensus splice site are a relatively common cause of aberrant splicing (PMID: 17576681, 9536098). Algorithms developed to predict the effect of sequence changes on RNA splicing suggest that this variant may disrupt the consensus splice site. This variant has not been reported in the literature in individuals affected with SPTAN1-related conditions. This variant is not present in population databases (gnomAD no frequency). This sequence change falls in intron 17 of the SPTAN1 gene. It does not directly change the encoded amino acid sequence of the SPTAN1 protein. It affects a nucleotide within the consensus splice site.

Literature cited by the submitters: PubMed 17576681; PubMed 9536098.

NM_001130438.3(SPTAN1):c.2437+5G>A

Gene: SPTAN1 (spectrin alpha, non-erythrocytic 1; plus strand). Cytogenetic location: 9q34.11.
Variant type: single nucleotide variant.
Coding change: c.2437+5G>A on transcript NM_001130438.3 (MANE Select); 5 bases into the intron after coding-DNA position 2437, G replaced by A.
Molecular consequence: intron variant.
Genome position (GRCh38, 1-based): chr9:128,584,530, G>A. VCF-style: chr9-128584530-G-A. GRCh37 (hg19) VCF-style: chr9-131346809-G-A.
Other names: c.2473+5G>A (NM_001375318.1, NM_001375312.2); c.2437+5G>A (NM_001375311.2, NM_001375314.2, NM_001375310.1 and 5 more transcripts).
Identifiers: ClinVar variation 2849145 (VCV002849145.3), dbSNP rs2541203948, ClinGen allele CA2739265061.